The following is an entry in ClinVar:

ClinVar aggregate classification (germline): Uncertain significance. Review status: criteria provided, multiple submitters, no conflicts (2 of 4 stars). 3 submissions from 3 submitters: Uncertain significance (3). Last evaluated 2024-04-04.

Conditions:
Inborn genetic diseases. Identifiers: MedGen C0950123, MeSH D030342.

Allele frequency attached by ClinVar (database versions not stated): TOPMed below 0.00001; gnomAD exomes 0.00001.
gnomAD v4.1: 7 of 1,614,012 alleles (0.00043%); highest among the groups gnomAD compares: Non-Finnish European, 0.00059%; no homozygotes.

Submissions (3):

Labcorp Genetics (formerly Invitae), Labcorp
Classification: Uncertain significance. Last evaluated: 2024-04-04. Review status: criteria provided, single submitter. Criteria: Invitae Variant Classification Sherloc (09022015). Collection method: clinical testing. Allele origin: germline.
Comment: This sequence change replaces threonine, which is neutral and polar, with methionine, which is neutral and non-polar, at codon 2298 of the ITPR1 protein (p.Thr2298Met). This variant is present in population databases (no rsID available, gnomAD 0.0009%). This variant has not been reported in the literature in individuals affected with ITPR1-related conditions. ClinVar contains an entry for this variant (Variation ID: 2604499). Advanced modeling of protein sequence and biophysical properties (such as structural, functional, and spatial information, amino acid conservation, physicochemical variation, residue mobility, and thermodynamic stability) performed at Invitae indicates that this missense variant is expected to disrupt ITPR1 protein function with a positive predictive value of 80%. In summary, the available evidence is currently insufficient to determine the role of this variant in disease. Therefore, it has been classified as a Variant of Uncertain Significance.

Women's Health and Genetics/Laboratory Corporation of America, LabCorp
Classification: Uncertain significance. Last evaluated: 2024-02-12. Review status: criteria provided, single submitter. Criteria: LabCorp Variant Classification Summary - May 2015. Collection method: clinical testing. Allele origin: germline.
Comment: Variant summary: ITPR1 c.6893C>T (p.Thr2298Met) results in a non-conservative amino acid change in the encoded protein sequence. Four of five in-silico tools predict a damaging effect of the variant on protein function. The variant allele was found at a frequency of 4e-06 in 249212 control chromosomes. The available data on variant occurrences in the general population are insufficient to allow any conclusion about variant significance. To our knowledge, no occurrence of c.6893C>T in individuals affected with Spinocerebellar Ataxia 29 and no experimental evidence demonstrating its impact on protein function have been reported. ClinVar contains an entry for this variant (Variation ID: 2604499). Based on the evidence outlined above, the variant was classified as uncertain significance.

Ambry Genetics
Classification: Uncertain significance for Inborn genetic diseases. Last evaluated: 2023-06-16. Review status: criteria provided, single submitter. Criteria: Ambry Variant Classification Scheme 2023. Collection method: clinical testing. Allele origin: germline.

NM_001378452.1(ITPR1):c.7082C>T (p.Thr2361Met)

Gene: ITPR1 (inositol 1,4,5-trisphosphate receptor type 1; plus strand). Cytogenetic location: 3p26.1.
Variant type: single nucleotide variant.
Coding change: c.7082C>T on transcript NM_001378452.1 (MANE Select); coding-DNA position 7082, C replaced by T.
Protein change: p.Thr2361Met; replaces threonine 2361 with methionine.
Molecular consequence: missense variant.
Genome position (GRCh38, 1-based): chr3:4,800,575, C>T. VCF-style: chr3-4800575-C-T. GRCh37 (hg19) VCF-style: chr3-4842259-C-T.
Other names: c.6938C>T, p.Thr2313Met (NM_001099952.4); c.7037C>T, p.Thr2346Met (NM_001168272.2); c.6893C>T, p.Thr2298Met (NM_002222.7); short protein forms T2346M, T2361M, T2313M, T2298M.
Identifiers: ClinVar variation 2604499 (VCV002604499.6), dbSNP rs927887017, ClinGen allele CA68835650.